The following is an entry in ClinVar:

ClinVar aggregate classification (germline): Pathogenic/Likely pathogenic. Review status: criteria provided, multiple submitters, no conflicts (2 of 4 stars). 5 submissions from 5 submitters: Pathogenic (1); Likely pathogenic (2). 2 of the submissions do not count toward it. Last evaluated 2025-08-20.

Conditions:
Joubert syndrome. Also called: JOUBERT-BOLTSHAUSER SYNDROME; Familial aplasia of the vermis. Identifiers: Orphanet 475, MedGen C5979921, MONDO:0018772.
Meckel-Gruber syndrome. Also called: DYSENCEPHALIA SPLANCHNOCYSTICA; GRUBER SYNDROME; Dysencephalia splachnocystica. Identifiers: Orphanet 564, MedGen C0265215, MONDO:0018921.
Meckel syndrome, type 3 (MKS3). Also called: MECKEL-GRUBER SYNDROME, TYPE 3. Identifiers: Orphanet 564, MedGen C1846357, MONDO:0011821, OMIM 607361.
Joubert syndrome 6 (JBTS6). Identifiers: Orphanet 475, MedGen C1853153, MONDO:0012539, OMIM 610688.
Bardet-Biedl syndrome 14 (BBS14). Identifiers: Orphanet 110, MedGen C2673874, MONDO:0014442, OMIM 615991.
COACH syndrome 1. Identifiers: Orphanet 1454, MedGen C5435651, MONDO:0800103, OMIM 216360, MONDO:0008996.
Nephronophthisis 11 (NPHP11). Identifiers: Orphanet 84081, MedGen C3150796, MONDO:0013302, OMIM 613550.
RHYNS syndrome. Also called: RETINITIS PIGMENTOSA SYNDROME; RETINITIS PIGMENTOSA, HYPOPITUITARISM, NEPHRONOPHTHISIS, AND MILD SKELETAL DYSPLASIA. Identifiers: Orphanet 140976, MedGen C1865794, MONDO:0011202, OMIM 602152.

Allele frequency attached by ClinVar (database versions not stated): TOPMed 0.00003.
gnomAD v4.1: 25 of 1,606,684 alleles (0.0016%); highest among the groups gnomAD compares: Non-Finnish European, 0.0021%; no homozygotes.

Submissions (5):

Dasa
Classification: Likely pathogenic. Last evaluated: 2025-08-20. Review status: criteria provided, single submitter. Criteria: DASA Assertion Criteria. Collection method: clinical testing. Allele origin: germline.
Comment: NM_153704.6(TMEM67):c.2357G>A (p.Gly786Glu) is a missense variant that results in the substitution of glycine with glutamic acid. This variant has been recurrently observed in individuals with TMEM67-related disorders (PMID: 20232449; PMID: 31411728). Functional evidence supports an impact on the gene or gene product (PMID: 31411728; PMID: 20232449). Also, this variant is rare in population databases. Computational evidence supports a deleterious effect. Based on the currently available evidence, this variant is classified as likely pathogenic.

Fulgent Genetics
Classification: Likely pathogenic for COACH syndrome 1; RHYNS syndrome; Meckel syndrome, type 3; Joubert syndrome 6; Nephronophthisis 11; Bardet-Biedl syndrome 14. Last evaluated: 2024-06-04. Review status: criteria provided, single submitter. Criteria: ACMG Guidelines, 2015. Collection method: clinical testing. Allele origin: germline.

Labcorp Genetics (formerly Invitae), Labcorp
Classification: Pathogenic for Joubert syndrome; Meckel-Gruber syndrome. Last evaluated: 2024-02-14. Review status: criteria provided, single submitter. Criteria: Invitae Variant Classification Sherloc (09022015). Collection method: clinical testing. Allele origin: germline.
Comment: This sequence change replaces glycine, which is neutral and non-polar, with glutamic acid, which is acidic and polar, at codon 786 of the TMEM67 protein (p.Gly786Glu). This variant is present in population databases (rs386834193, gnomAD 0.007%). This missense change has been observed in individual(s) with Meckel syndrome (PMID: 20232449). In at least one individual the data is consistent with being in trans (on the opposite chromosome) from a pathogenic variant. ClinVar contains an entry for this variant (Variation ID: 56774). Advanced modeling of protein sequence and biophysical properties (such as structural, functional, and spatial information, amino acid conservation, physicochemical variation, residue mobility, and thermodynamic stability) performed at Invitae indicates that this missense variant is expected to disrupt TMEM67 protein function with a positive predictive value of 95%. This variant disrupts the p.Gly786 amino acid residue in TMEM67. Other variant(s) that disrupt this residue have been determined to be pathogenic (PMID: 31411728). This suggests that this residue is clinically significant, and that variants that disrupt this residue are likely to be disease-causing. For these reasons, this variant has been classified as Pathogenic.

Juha Muilu Group; Institute for Molecular Medicine Finland (FIMM)
Classification: Likely pathogenic for Meckel syndrome type 3. Review status: no assertion criteria provided. Collection method: not provided. Allele origin: unknown. Not counted in ClinVar's aggregate classification.
Comment: FinDis database variant: This variant was not found or characterized by our laboratory, data were collected from public sources: see reference
ClinVar note: Converted during submission from probable-pathogenic to Likely pathogenic.

Eurofins Ntd Llc (ga)
Classification: Uncertain significance. Last evaluated: 2015-09-14. Review status: flagged submission. Criteria: EGL Classification Definitions 2015. Collection method: clinical testing. Allele origin: germline. Observed: 1 variant allele, 1 heterozygote. Not counted in ClinVar's aggregate classification.
ClinVar note: Reason: Older and outlier claim with insufficient supporting evidence

Literature cited by the submitters: PubMed 31411728 (cited by Dasa and Labcorp Genetics (formerly Invitae), Labcorp); PubMed 20232449 (cited by Dasa and Labcorp Genetics (formerly Invitae), Labcorp).

NM_153704.6(TMEM67):c.2357G>A (p.Gly786Glu)

Gene: TMEM67 (transmembrane protein 67; plus strand). Cytogenetic location: 8q22.1.
Variant type: single nucleotide variant.
Coding change: c.2357G>A on transcript NM_153704.6 (MANE Select); coding-DNA position 2357, G replaced by A.
Protein change: p.Gly786Glu; replaces glycine 786 with glutamic acid.
Molecular consequence: missense variant. On other transcripts: non-coding transcript variant (1).
Genome position (GRCh38, 1-based): chr8:93,804,796, G>A. VCF-style: chr8-93804796-G-A. GRCh37 (hg19) VCF-style: chr8-94817024-G-A.
Other names: c.2114G>A, p.Gly705Glu (NM_001142301.1); short protein forms G705E, G786E.
Identifiers: ClinVar variation 56774 (VCV000056774.14), dbSNP rs386834193, ClinGen allele CA144461.